The following is an entry in ClinVar:

NC_000023.10:g.(?_32456338)_(33229429_?)dup

Gene: DMD (dystrophin; minus strand). Cytogenetic location: Xp21.1.
Variant type: Duplication.
Identifiers: ClinVar variation 1400401 (VCV001400401.4).

ClinVar aggregate classification (germline): Uncertain significance (1 of 4 stars; one submission).

Conditions:
Duchenne muscular dystrophy (DMD). Also called: MUSCULAR DYSTROPHY, PSEUDOHYPERTROPHIC PROGRESSIVE, DUCHENNE TYPE; Duchenne Muscular Dystrophy (DMD). Identifiers: Orphanet 98896, MedGen C0013264, MONDO:0010679, OMIM 310200.

Submission:

Labcorp Genetics (formerly Invitae), Labcorp
Classification: Uncertain significance for Duchenne muscular dystrophy. Last evaluated: 2021-08-24. Review status: criteria provided, single submitter. Criteria: Invitae Variant Classification Sherloc (09022015). Collection method: clinical testing. Allele origin: germline.
Comment: This variant results in a copy number gain of the genomic region encompassing exon(s) 1-29 of the DMD gene. This region includes the initiator codon of the gene. This copy number gain extends beyond the assayed region for this gene and therefore may encompass additional genes. As the precise location of this event is unknown, it may be in tandem or it may be located elsewhere in the genome. This variant has not been reported in the literature in individuals affected with DMD-related conditions. Experimental studies and prediction algorithms are not available or were not evaluated, and the functional significance of this variant is currently unknown. In summary, the available evidence is currently insufficient to determine the role of this variant in disease. Therefore, it has been classified as a Variant of Uncertain Significance.